The following is an entry in ClinVar:

NM_152564.5(VPS13B):c.8390A>G (p.Tyr2797Cys)

Gene: VPS13B (vacuolar protein sorting 13 homolog B; plus strand). Cytogenetic location: 8q22.2.
Variant type: single nucleotide variant.
Coding change: c.8390A>G on transcript NM_152564.5 (MANE Select); coding-DNA position 8390, A replaced by G.
Protein change: p.Tyr2797Cys; replaces tyrosine 2797 with cysteine.
Molecular consequence: missense variant.
Genome position (GRCh38, 1-based): chr8:99,818,479, A>G. VCF-style: chr8-99818479-A-G. GRCh37 (hg19) VCF-style: chr8-100830707-A-G.
Other names: p.Tyr2822Cys; c.8465A>G, p.Tyr2822Cys (NM_017890.5); c.8465A>G (NM_017890.3); c.8390A>G (NM_152564.4); short protein forms Y2797C, Y2822C.
Identifiers: ClinVar variation 528842 (VCV000528842.13), dbSNP rs371325199, ClinGen allele CA4824443.

ClinVar aggregate classification (germline): Uncertain significance. Review status: criteria provided, multiple submitters, no conflicts (2 of 4 stars). 7 submissions from 7 submitters: Uncertain significance (6). 1 of the submissions does not count toward it. Last evaluated 2026-03-26.

Conditions:
Inborn genetic diseases. Identifiers: MedGen C0950123, MeSH D030342.
Cohen syndrome (COH1). Also called: Cutis verticis gyrata, retinitis pigmentosa, and sensorineural deafness; PEPPER SYNDROME. Identifiers: Orphanet 193, MedGen C0265223, MONDO:0008999, OMIM 216550.
VPS13B-related disorder. Also called: VPS13B-related condition.

Allele frequency attached by ClinVar (database versions not stated): gnomAD 0.00004 and 0.00005; ExAC 0.00005; TOPMed 0.00009; gnomAD exomes 0.00003; ESP Exome Variant Server 0.00008.
gnomAD v4.1: 51 of 1,614,052 alleles (0.0032%); highest among the groups gnomAD compares: Middle Eastern, 0.12%; 1 homozygote.

Submissions (7):

GeneDx
Classification: Uncertain significance. Last evaluated: 2026-03-26. Review status: criteria provided, single submitter. Criteria: GeneDx Variant Classification Process June 2021. Collection method: clinical testing. Allele origin: germline.
Comment: Not observed at significant frequency in large population cohorts (gnomAD); In silico analysis supports that this missense variant has a deleterious effect on protein structure/function; Has not been previously published in association with Cohen syndrome to our knowledge; This variant is associated with the following publications: (PMID: Chen2025[PrePrint], 16648375)

PreventionGenetics, part of Exact Sciences
Classification: Uncertain significance for VPS13B-related condition. Last evaluated: 2025-09-03. Review status: criteria provided, single submitter. Criteria: ACMG Guidelines, 2015. Collection method: clinical testing. Allele origin: germline.
Comment: The VPS13B c.8390A>G variant is predicted to result in the amino acid substitution p.Tyr2797Cys. This variant has been reported in an individual with Cohen syndrome, but no additional studies were performed to help assess its pathogenicity (reported as p.Tyr2822Cys in Seifert et al 2006. PubMed ID: 16648375). This variant is reported in 0.011% of alleles in individuals of Latino descent in gnomAD. At this time, the clinical significance of this variant is uncertain due to the absence of conclusive functional and genetic evidence.

Labcorp Genetics (formerly Invitae), Labcorp
Classification: Uncertain significance for Cohen syndrome. Last evaluated: 2025-01-29. Review status: criteria provided, single submitter. Criteria: Invitae Variant Classification Sherloc (09022015). Collection method: clinical testing. Allele origin: germline.
Comment: This sequence change replaces tyrosine, which is neutral and polar, with cysteine, which is neutral and slightly polar, at codon 2822 of the VPS13B protein (p.Tyr2822Cys). This variant is present in population databases (rs371325199, gnomAD 0.01%). This missense change has been observed in individual(s) with Cohen syndrome (PMID: 16648375). ClinVar contains an entry for this variant (Variation ID: 528842). Invitae Evidence Modeling of protein sequence and biophysical properties (such as structural, functional, and spatial information, amino acid conservation, physicochemical variation, residue mobility, and thermodynamic stability) indicates that this missense variant is not expected to disrupt VPS13B protein function with a negative predictive value of 80%. In summary, the available evidence is currently insufficient to determine the role of this variant in disease. Therefore, it has been classified as a Variant of Uncertain Significance.

Blueprint Genetics
Classification: Uncertain significance. Last evaluated: 2024-07-08. Review status: criteria provided, single submitter. Criteria: ACMG Guidelines, 2015. Collection method: clinical testing. Allele origin: germline.

Mayo Clinic Laboratories, Mayo Clinic
Classification: Uncertain significance. Last evaluated: 2023-12-06. Review status: criteria provided, single submitter. Criteria: ACMG Guidelines, 2015. Collection method: clinical testing. Allele origin: germline. Observed: 1 variant allele.
Comment: BP1

Ambry Genetics
Classification: Uncertain significance for Inborn genetic diseases. Last evaluated: 2022-02-26. Review status: criteria provided, single submitter. Criteria: Ambry Variant Classification Scheme 2023. Collection method: clinical testing. Allele origin: germline.

Natera, Inc.
Classification: Uncertain significance for Cohen syndrome. Last evaluated: 2020-09-16. Review status: no assertion criteria provided. Collection method: clinical testing. Allele origin: germline. Not counted in ClinVar's aggregate classification.

Literature cited by the submitters: PubMed 16648375 (cited by Labcorp Genetics (formerly Invitae), Labcorp and Mayo Clinic Laboratories, Mayo Clinic).